The following is an entry in ClinVar:

ClinVar aggregate classification (germline): Likely benign. Review status: criteria provided, multiple submitters, no conflicts (2 of 4 stars). 2 submissions from 2 submitters: Likely benign (2). Last evaluated 2025-02-01.

Conditions:
SCLT1-related disorder. Also called: SCLT1-related condition.

Allele frequency attached by ClinVar (database versions not stated): gnomAD exomes below 0.00001 and 0.00001; ExAC 0.00002; gnomAD 0.00002; TOPMed 0.00003; ESP Exome Variant Server 0.00008.
gnomAD v4.1: 5 of 1,606,446 alleles (0.00031%); highest among the groups gnomAD compares: African/African-American, 0.0067%; no homozygotes.

Submissions (2):

PreventionGenetics, part of Exact Sciences
Classification: Likely benign for SCLT1-related condition. Last evaluated: 2025-02-01. Review status: criteria provided, single submitter. Criteria: ACMG Guidelines, 2015. Collection method: clinical testing. Allele origin: germline.
Comment: This variant is classified as likely benign based on ACMG/AMP sequence variant interpretation guidelines (Richards et al. 2015 PMID: 25741868, with internal and published modifications).

Labcorp Genetics (formerly Invitae), Labcorp
Classification: Likely benign. Last evaluated: 2024-10-06. Review status: criteria provided, single submitter. Criteria: Invitae Variant Classification Sherloc (09022015). Collection method: clinical testing. Allele origin: germline.

NM_144643.4(SCLT1):c.1047+9G>A

Gene: SCLT1 (sodium channel and clathrin linker 1; minus strand). Cytogenetic location: 4q28.2.
Variant type: single nucleotide variant.
Coding change: c.1047+9G>A on transcript NM_144643.4 (MANE Select); 9 bases into the intron after coding-DNA position 1047, G replaced by A.
Molecular consequence: intron variant.
Genome position (GRCh38, 1-based): chr4:128,959,591, C>T on the plus strand (G>A on the coding strand, the complement: SCLT1 is on the minus strand). VCF-style: chr4-128959591-C-T. GRCh37 (hg19) VCF-style: chr4-129880746-C-T.
Other names: c.1047+9G>A (NM_144643.3).
Identifiers: ClinVar variation 1605484 (VCV001605484.9), dbSNP rs372119418, ClinGen allele CA3079762.